The following is an entry in ClinVar:

ClinVar aggregate classification (germline): Pathogenic (1 of 4 stars; one submission).

Conditions:
Ellis-van Creveld syndrome (EVC). Also called: MESOECTODERMAL DYSPLASIA; Chondroectodermal dysplasia. Identifiers: Orphanet 289, MedGen C0013903, MONDO:0009162, OMIM 225500.

Submission:

Myriad Genetics, Inc.
Classification: Pathogenic for Ellis-van Creveld syndrome. Last evaluated: 2026-08-07. Review status: criteria provided, single submitter. Criteria: Myriad Autosomal Dominant, Autosomal Recessive and X-Linked Classification Criteria (2023). Collection method: clinical testing. Allele origin: unknown.
Comment: NM_153717.2(EVC):c.1581dupC(V528Rfs*28) is expected to be pathogenic in the context of EVC-related Ellis-van Creveld syndrome. This variant is predicted to lead to an abnormal or absent protein product due to the creation of a premature termination codon in EVC, a gene where loss-of-function variants are known to be pathogenic. Please note: this variant was assessed in the context of healthy population screening.

NM_153717.3(EVC):c.1581dup (p.Val528fs)

Gene: EVC (EvC ciliary complex subunit 1; plus strand). Cytogenetic location: 4p16.2.
Variant type: Duplication.
Coding change: c.1581dup on transcript NM_153717.3 (MANE Select); coding-DNA position 1581, one base duplicated (C; older notation c.1581dupC).
Protein change: p.Val528fs; shifts the reading frame from valine 528.
Molecular consequence: frameshift variant.
Genome position (GRCh38, 1-based): chr4:5,783,569, C duplicated; the last of 2 consecutive C bases (chr4:5,783,568-5,783,569); duplicating either gives the same sequence. VCF-style (leftmost placement, unchanged base first): chr4-5783567-A-AC. GRCh37 (hg19) VCF-style: chr4-5785294-A-AC.
Other names: c.1581dup, p.Val528fs (NM_001306090.2); short protein forms V528fs.
Identifiers: ClinVar variation 5016208 (VCV005016208.1).